The following is an entry in ClinVar:

NM_030773.4(TUBB1):c.5G>C (p.Arg2Pro)

Gene: TUBB1 (tubulin beta 1 class VI; plus strand). Cytogenetic location: 20q13.32.
Variant type: single nucleotide variant.
Coding change: c.5G>C on transcript NM_030773.4 (MANE Select); coding-DNA position 5, G replaced by C.
Protein change: p.Arg2Pro; replaces arginine 2 with proline.
Molecular consequence: missense variant.
Genome position (GRCh38, 1-based): chr20:59,019,527, G>C. VCF-style: chr20-59019527-G-C. GRCh37 (hg19) VCF-style: chr20-57594582-G-C.
Other names: short protein forms R2P.
Identifiers: ClinVar variation 2572100 (VCV002572100.1), dbSNP rs1419686007, ClinGen allele CA409465670.

ClinVar aggregate classification (germline): Uncertain significance (1 of 4 stars; one submission).

Conditions:
Macrothrombocytopenia, isolated, 1, autosomal dominant (MACTHC1). Also called: Autosomal dominant macrothrombocytopenia TUBB1-related. Identifiers: Orphanet 140957, MedGen C5676892, MONDO:0800047, OMIM 613112.

gnomAD v4.1: 1 of 1,614,172 alleles (0.000062%); highest among the groups gnomAD compares: Non-Finnish European, 0.000085%; no homozygotes.

Submission:

ISTH-SSC Genomics in Thrombosis and Hemostasis, KU Leuven, Center for Molecular and Vascular Biology
Classification: Uncertain significance for Macrothrombocytopenia, isolated, 1, autosomal dominant. Review status: criteria provided, single submitter. Criteria: ACMG Guidelines, 2015. Collection method: clinical testing. Allele origin: germline. Affected: yes. Observed: 1 heterozygote.
Comment: Submitted to the GoldVariant database by Kathleen Freson, Center for Molecular and Vascular Biology